The following is an entry in ClinVar:

ClinVar aggregate classification (germline): Pathogenic (1 of 4 stars; one submission).

Conditions:
Hydrocephalus, nonsyndromic, autosomal recessive 1 (HYC1). Also called: Hydrocephalus, nonsyndromic, autosomal recessive; Congenital hydrocephalus 1. Identifiers: Orphanet 2185, MedGen C3887608, MONDO:0009360, OMIM 236600.

Submission:

Myriad Genetics, Inc.
Classification: Pathogenic for Hydrocephalus, nonsyndromic, autosomal recessive 1. Last evaluated: 2024-12-31. Review status: criteria provided, single submitter. Criteria: Myriad Autosomal Dominant, Autosomal Recessive and X-Linked Classification Criteria (2023). Collection method: clinical testing. Allele origin: unknown.
Comment: NM_001080414.3(CCDC88C):c.2209A>T(K737*) is expected to be pathogenic in the context of congenital hydrocephalus, CCDC88C-related. This variant is predicted to lead to an abnormal or absent protein product due to the creation of a premature termination codon in CCDC88C, a gene where loss-of-function variants are known to be pathogenic. Please note: this variant was assessed in the context of healthy population screening.

NM_001080414.4(CCDC88C):c.2209A>T (p.Lys737Ter)

Gene: CCDC88C (coiled-coil and HOOK domain protein 88C; minus strand). Cytogenetic location: 14q32.11.
Variant type: single nucleotide variant.
Coding change: c.2209A>T on transcript NM_001080414.4 (MANE Select); coding-DNA position 2209, A replaced by T.
Protein change: p.Lys737Ter; replaces lysine 737 with a stop codon.
Molecular consequence: nonsense. On other transcripts: non-coding transcript variant (2).
Genome position (GRCh38, 1-based): chr14:91,313,607, T>A on the plus strand (A>T on the coding strand, the complement: CCDC88C is on the minus strand). VCF-style: chr14-91313607-T-A. GRCh37 (hg19) VCF-style: chr14-91779951-T-A.
Other names: short protein forms K737*.
Identifiers: ClinVar variation 5013904 (VCV005013904.1).